The following is an entry in ClinVar:

ClinVar aggregate classification (germline): Pathogenic (1 of 4 stars; one submission).

Conditions:
Short-rib thoracic dysplasia 11 with or without polydactyly (SRTD11). Also called: SHORT-RIB THORACIC DYSPLASIA 11 WITHOUT POLYDACTYLY. Identifiers: Orphanet 474, Orphanet 93271, MedGen C3810200, MONDO:0014287, OMIM 615633.

Submission:

Labcorp Genetics (formerly Invitae), Labcorp
Classification: Pathogenic for Short-rib thoracic dysplasia 11 with or without polydactyly. Last evaluated: 2025-03-24. Review status: criteria provided, single submitter. Criteria: Invitae Variant Classification Sherloc (09022015). Collection method: clinical testing. Allele origin: germline.
Comment: This sequence change creates a premature translational stop signal (p.Pro427Argfs*48) in the WDR34 gene. While this is not anticipated to result in nonsense mediated decay, it is expected to disrupt the last 110 amino acid(s) of the WDR34 protein. This variant is not present in population databases (gnomAD no frequency). This variant has not been reported in the literature in individuals affected with WDR34-related conditions. This variant disrupts a region of the WDR34 protein in which other variant(s) (p.Thr514Argfs*11) have been determined to be pathogenic (PMID: 24183451). This suggests that this is a clinically significant region of the protein, and that variants that disrupt it are likely to be disease-causing. For these reasons, this variant has been classified as Pathogenic.

Literature cited by the submitters: PubMed 24183451.

NM_052844.4(DYNC2I2):c.1280_1283del (p.Pro427fs)

Gene: DYNC2I2 (dynein 2 intermediate chain 2; minus strand). Cytogenetic location: 9q34.11.
Variant type: Deletion.
Coding change: c.1280_1283del on transcript NM_052844.4 (MANE Select); coding-DNA positions 1280 to 1283, 4 bases deleted (CCTT; older notation c.1280_1283delCCTT).
Protein change: p.Pro427fs; shifts the reading frame from proline 427.
Molecular consequence: frameshift variant.
Genome position (GRCh38, 1-based): chr9:128,634,315-128,634,318, AAGG deleted on the plus strand (CCTT on the coding strand, the reverse complement: DYNC2I2 is on the minus strand). VCF-style (leftmost placement, unchanged base first): chr9-128634314-CAAGG-C. GRCh37 (hg19) VCF-style: chr9-131396593-CAAGG-C.
Other names: short protein forms P427fs.
Identifiers: ClinVar variation 4711218 (VCV004711218.1).